The following is an entry in ClinVar:

NM_001378454.1(ALMS1):c.11700dup (p.His3901fs)

Gene: ALMS1 (ALMS1 centrosome and basal body associated protein; plus strand). Cytogenetic location: 2p13.1.
Variant type: Duplication.
Coding change: c.11700dup on transcript NM_001378454.1 (MANE Select); coding-DNA position 11700, one base duplicated (A; older notation c.11700dupA).
Protein change: p.His3901fs; shifts the reading frame from histidine 3901.
Molecular consequence: frameshift variant.
Genome position (GRCh38, 1-based): chr2:73,600,709, A duplicated; the last of 6 consecutive A bases (chr2:73,600,704-73,600,709); duplicating any one gives the same sequence. VCF-style (leftmost placement, unchanged base first): chr2-73600703-C-CA. GRCh37 (hg19) VCF-style: chr2-73827830-C-CA.
Other names: c.11703dupA (NM_015120.4); c.11703dup, p.His3902fs (NM_015120.4); short protein forms H3901fs, H3902fs.
Identifiers: ClinVar variation 4815761 (VCV004815761.1).
Genomic context (GRCh38, chr2:73,600,703, plus strand): 5'-TTACTCCCAGAGACACCTATGATCCTTCCCCTCAGGTAACTTGGAGATTGTGAACGGTGC[C>CA]AAAAAACACACTCGAGATGTTGGGATAACTTTCCCAACTCCAAGTTCCAGCGAGGCTAAA-3'

ClinVar aggregate classification (germline): Likely pathogenic (1 of 4 stars; one submission).

Conditions:
Alstrom syndrome (ALMS). Identifiers: Orphanet 64, MedGen C0268425, MONDO:0008763, OMIM 203800.

Submission:

Natera, Inc.
Classification: Likely pathogenic for Alstrom syndrome. Last evaluated: 2025-07-23. Review status: criteria provided, single submitter. Criteria: Natera Variant Classification Schema (03/2026). Collection method: clinical testing. Allele origin: germline.
Comment: The c.11703dupA variant in ALMS1 is a frameshift variant predicted to shift the reading frame beginning at codon 3902 and leads to a stop codon 18 codons downstream. This variant is expected to result in nonsense mediated decay, truncation, or a dysfunctional protein product. This variant is rare in the general population with a frequency below the threshold expected for the associated phenotype(s). Given the available evidence, this variant is classified as Likely Pathogenic.